The following is an entry in ClinVar:

ClinVar aggregate classification (germline): Conflicting classifications of pathogenicity. Review status: criteria provided, conflicting classifications (1 of 4 stars). 4 submissions from 4 submitters: Uncertain significance (1); Benign (1); Likely benign (1). 1 of the submissions does not count toward it. Last evaluated 2026-01-26.

Conditions:
beta Thalassemia (BTHAL). Also called: Cooley's anemia; Erythroblastic anemia; Mediterranean anemia. Identifiers: Orphanet 848, MedGen C0005283, MONDO:0019402. Disease mechanism: loss of function.

Allele frequency attached by ClinVar (database versions not stated): gnomAD 0.00009 and 0.00013; TOPMed 0.00023; 1000 Genomes Project 30x 0.00094; 1000 Genomes Project 0.00100.

Submissions (4):

Labcorp Genetics (formerly Invitae), Labcorp
Classification: Benign. Last evaluated: 2026-01-26. Review status: criteria provided, single submitter. Criteria: Invitae Variant Classification Sherloc (09022015). Collection method: clinical testing. Allele origin: germline.

Women's Health and Genetics/Laboratory Corporation of America, LabCorp
Classification: Likely benign. Last evaluated: 2026-01-09. Review status: criteria provided, single submitter. Criteria: LabCorp Variant Classification Summary - May 2015. Collection method: clinical testing. Allele origin: germline.
Comment: Variant summary: HBB c.316-179A>C is located at a position not widely known to affect splicing. Consensus agreement among computation tools predict no significant impact on normal splicing. However, these predictions have yet to be confirmed by functional studies. The variant allele was found at a frequency of 0.001 in 261132 control chromosomes. This frequency is not significantly higher than estimated for disease-causing variants in HBB, allowing no conclusion about variant significance. The variant, c.316-179A>C has been reported in the literature predominantly in East Asian individuals with beta-thalassemia trait, with mild or silent clinical phenotypes (e.g., Zhao_2016, Park_2013, Zhuang_2021, Luo_2022, Xian_2022, Ning_2023), however without strong evidence for causality. In one individual with beta-thalassemia trait and a silent clinical phenotype, the diagnosis was based on a mildly elevated HbA2 value (3.8%) that might be characteristic for beta-thalassemia carriers (Zhao_2016). However, this patient also carried another HBB variant (c.315+5G>C; classified as pathogenic in ClinVar). Moreover, another study reported the variant in 2/102 hematologically normal, healthy Chinese individuals (who were tested for the beta-thalassemia trait), suggesting that the variant might be a benign polymorphism (Yip_2004). To our knowledge, no experimental evidence demonstrating an impact on protein function has been reported. The following publications have been ascertained in the context of this evaluation (PMID: 24086942, 15345105, 27829298, 34690349, 35979587, 34659349, 33179747). ClinVar contains an entry for this variant (Variation ID: 632851). Based on the evidence outlined above, the variant was classified as likely benign.

Quest Diagnostics Nichols Institute San Juan Capistrano
Classification: Uncertain significance. Last evaluated: 2025-07-02. Review status: criteria provided, single submitter. Criteria: Quest Diagnostics criteria. Collection method: clinical testing. Allele origin: unknown.
Comment: The HBB c.316-179A>C variant has been reported in the published literature in individuals affected with beta thalassemia trait (PMID: 27829298 (2016), 35979587 (2022), 37270807 (2023)) and hemolytic anemia (PMID: 24086942 (2013)). It has also been reported in individuals with normal hemoglobin levels (PMID: 15345105 (2004), 34690349 (2022)). The frequency of this variant in the general population (Genome Aggregation Database) is uninformative in the assessment of its pathogenicity. Analysis of this variant using software algorithms for the prediction of the effect of nucleotide changes on splicing yielded predictions that this variant does not affect HBB mRNA splicing. Based on the available information, we are unable to determine the clinical significance of this variant.

Molecular Genetics Laboratory, BC Children's and BC Women's Hospitals
Classification: Likely benign for beta Thalassemia. Last evaluated: 2023-01-05. Review status: no assertion criteria provided. Criteria: ACMG Guidelines, 2015. Collection method: clinical testing. Allele origin: germline. Affected: yes. Not counted in ClinVar's aggregate classification.

Literature cited by the submitters: PubMed 24086942 (cited by Women's Health and Genetics/Laboratory Corporation of America, LabCorp and Quest Diagnostics Nichols Institute San Juan Capistrano); PubMed 27829298 (cited by Women's Health and Genetics/Laboratory Corporation of America, LabCorp and Quest Diagnostics Nichols Institute San Juan Capistrano); PubMed 15345105 (cited by Women's Health and Genetics/Laboratory Corporation of America, LabCorp and Quest Diagnostics Nichols Institute San Juan Capistrano); PubMed 33179747 (cited by Women's Health and Genetics/Laboratory Corporation of America, LabCorp); PubMed 34690349 (cited by Women's Health and Genetics/Laboratory Corporation of America, LabCorp and Quest Diagnostics Nichols Institute San Juan Capistrano); PubMed 37217151 (cited by Women's Health and Genetics/Laboratory Corporation of America, LabCorp and Quest Diagnostics Nichols Institute San Juan Capistrano); PubMed 35979587 (cited by Women's Health and Genetics/Laboratory Corporation of America, LabCorp and Quest Diagnostics Nichols Institute San Juan Capistrano); PubMed 34659349 (cited by Women's Health and Genetics/Laboratory Corporation of America, LabCorp and Quest Diagnostics Nichols Institute San Juan Capistrano); PubMed 37270807 (cited by Quest Diagnostics Nichols Institute San Juan Capistrano).

NM_000518.5(HBB):c.316-179A>C

Genes: HBB (hemoglobin subunit beta; minus strand), LOC107133510 (origin of replication at HBB; plus strand), LOC110006319 (beta-globin gene 3' regulatory region; plus strand). Cytogenetic location: 11p15.4.
Variant type: single nucleotide variant.
Coding change: c.316-179A>C on transcript NM_000518.5 (MANE Select); 179 bases into the intron before coding-DNA position 316, A replaced by C.
Molecular consequence: intron variant.
Genome position (GRCh38, 1-based): chr11:5,225,905, T>G on the plus strand (A>C on the coding strand, the complement: HBB is on the minus strand). VCF-style: chr11-5225905-T-G. GRCh37 (hg19) VCF-style: chr11-5247135-T-G.
Identifiers: ClinVar variation 632851 (VCV000632851.23), dbSNP rs185607297, ClinGen allele CA217113009.
Genomic context (GRCh38, chr11:5,225,905, plus strand): 5'-TGCTATTAGCAATATGAAACCTCTTACATCAGTTACAATTTATATGCAGAAATATTTATA[T>G]GCAGAGATATTGCTATTGCCTTAACCCAGAAATTATCACTGTTATTCTTTAGAATGGTGC-3'